The following is an entry in ClinVar:

NM_182914.3(SYNE2):c.12703A>G (p.Thr4235Ala)

Gene: SYNE2 (spectrin repeat containing nuclear envelope protein 2; plus strand). Cytogenetic location: 14q23.2.
Variant type: single nucleotide variant.
Coding change: c.12703A>G on transcript NM_182914.3 (MANE Select); coding-DNA position 12703, A replaced by G.
Protein change: p.Thr4235Ala; replaces threonine 4235 with alanine.
Molecular consequence: missense variant.
Genome position (GRCh38, 1-based): chr14:64,113,434, A>G. VCF-style: chr14-64113434-A-G. GRCh37 (hg19) VCF-style: chr14-64580152-A-G.
Other names: c.12703A>G, p.Thr4235Ala (NM_015180.6); short protein forms T4235A.
Identifiers: ClinVar variation 1424534 (VCV001424534.6), dbSNP rs2153657597, ClinGen allele CA389958296.

ClinVar aggregate classification (germline): Uncertain significance (1 of 4 stars; one submission).

Conditions:
Emery-Dreifuss muscular dystrophy 5, autosomal dominant (EDMD5). Also called: EMERY-DREIFUSS MUSCULAR DYSTROPHY 5. Identifiers: Orphanet 261, MedGen C2751805, MONDO:0013072, OMIM 612999.

gnomAD v4.1: 1 of 1,614,200 alleles (0.000062%); highest among the groups gnomAD compares: Non-Finnish European, 0.000085%; no homozygotes.

Submission:

Labcorp Genetics (formerly Invitae), Labcorp
Classification: Uncertain significance for Emery-Dreifuss muscular dystrophy 5, autosomal dominant. Last evaluated: 2021-11-30. Review status: criteria provided, single submitter. Criteria: Invitae Variant Classification Sherloc (09022015). Collection method: clinical testing. Allele origin: germline.
Comment: In summary, the available evidence is currently insufficient to determine the role of this variant in disease. Therefore, it has been classified as a Variant of Uncertain Significance. Algorithms developed to predict the effect of missense changes on protein structure and function output the following: SIFT: "Tolerated"; PolyPhen-2: "Benign"; Align-GVGD: "Class C0". The alanine amino acid residue is found in multiple mammalian species, which suggests that this missense change does not adversely affect protein function. This variant has not been reported in the literature in individuals affected with SYNE2-related conditions. This variant is not present in population databases (gnomAD no frequency). This sequence change replaces threonine, which is neutral and polar, with alanine, which is neutral and non-polar, at codon 4235 of the SYNE2 protein (p.Thr4235Ala).